The following is an entry in ClinVar:

ClinVar aggregate classification (germline): Pathogenic (1 of 4 stars; one submission).

Conditions:
Familial intrahepatic cholestasis. Identifiers: Orphanet 284385, MedGen CN296401, MONDO:0017290.

Submission:

Genomenon, Inc
Classification: Pathogenic for Familial intrahepatic cholestasis. Last evaluated: 2026-04-14. Review status: criteria provided, single submitter. Criteria: Genomenon Sequence Variant Interpretation Standards - Updated. Collection method: curation. Allele origin: germline. Affected: yes.
Comment: ABCB11 c.2177_2178+1delinsGT is a deletion-insertion variant affecting the donor splice site of intron 18. It is predicted to affect mRNA splicing, leading to a deleterious effect on the ABCB11 protein. This variant has been observed in at least one proband with an ABCB11-related disorder (PMID:32087350). It is absent or not present at a significant frequency in gnomAD. In conclusion, we classify ABCB11 c.2177_2178+1delinsGT as a pathogenic variant.

Literature cited by the submitters: PubMed 32087350.

NM_003742.4(ABCB11):c.2177_2178+1delinsGT

Gene: ABCB11 (ATP binding cassette subfamily B member 11; minus strand). Cytogenetic location: 2q31.1.
Variant type: Indel.
Coding change: c.2177_2178+1delinsGT on transcript NM_003742.4 (MANE Select); coding-DNA position 2177 through the canonical splice donor site of the intron after coding-DNA position 2178, AGG replaced by GT.
Molecular consequence: splice donor variant.
Genome position (GRCh38, 1-based): chr2:168,964,205-168,964,207, CCT replaced by AC on the plus strand (AGG replaced by GT on the coding strand, the reverse complement: ABCB11 is on the minus strand). VCF-style: chr2-168964205-CCT-AC. GRCh37 (hg19) VCF-style: chr2-169820715-CCT-AC.
Identifiers: ClinVar variation 4846699 (VCV004846699.1).